The following is an entry in ClinVar:

NM_018263.6(ASXL2):c.1622C>T (p.Thr541Ile)

Gene: ASXL2 (ASXL transcriptional regulator 2; minus strand). Cytogenetic location: 2p23.3.
Variant type: single nucleotide variant.
Coding change: c.1622C>T on transcript NM_018263.6 (MANE Select); coding-DNA position 1622, C replaced by T.
Protein change: p.Thr541Ile; replaces threonine 541 with isoleucine.
Molecular consequence: missense variant.
Genome position (GRCh38, 1-based): chr2:25,749,934, G>A on the plus strand (C>T on the coding strand, the complement: ASXL2 is on the minus strand). VCF-style: chr2-25749934-G-A. GRCh37 (hg19) VCF-style: chr2-25972803-G-A.
Other names: c.1448C>T, p.Thr483Ile (NM_001369346.1); c.842C>T, p.Thr281Ile (NM_001369347.1); short protein forms T541I, T483I, T281I.
Identifiers: ClinVar variation 3691735 (VCV003691735.2).

ClinVar aggregate classification (germline): Uncertain significance (1 of 4 stars; one submission).

gnomAD v4.1: 1 of 1,613,992 alleles (0.000062%); highest among the groups gnomAD compares: East Asian, 0.0022%; no homozygotes.

Submission:

Labcorp Genetics (formerly Invitae), Labcorp
Classification: Uncertain significance. Last evaluated: 2024-04-10. Review status: criteria provided, single submitter. Criteria: Invitae Variant Classification Sherloc (09022015). Collection method: clinical testing. Allele origin: germline.
Comment: This sequence change replaces threonine, which is neutral and polar, with isoleucine, which is neutral and non-polar, at codon 541 of the ASXL2 protein (p.Thr541Ile). This variant is present in population databases (rs565942562, gnomAD 0.006%). This variant has not been reported in the literature in individuals affected with ASXL2-related conditions. Advanced modeling of protein sequence and biophysical properties (such as structural, functional, and spatial information, amino acid conservation, physicochemical variation, residue mobility, and thermodynamic stability) performed at Invitae indicates that this missense variant is not expected to disrupt ASXL2 protein function with a negative predictive value of 80%. In summary, the available evidence is currently insufficient to determine the role of this variant in disease. Therefore, it has been classified as a Variant of Uncertain Significance.